The following is an entry in ClinVar:

ClinVar aggregate classification (germline): Benign (1 of 4 stars; one submission).

Allele frequency attached by ClinVar (database versions not stated): 1000 Genomes Project 30x 0.00031; gnomAD 0.00073; TOPMed 0.00077.
gnomAD v4.1: 113 of 152,258 alleles (0.074%); highest among the groups gnomAD compares: Non-Finnish European, 0.046%; no homozygotes.

Submission:

CeGaT Center for Human Genetics Tuebingen
Classification: Benign. Last evaluated: 2022-05-01. Review status: criteria provided, single submitter. Criteria: CeGaT Center For Human Genetics Tuebingen Variant Classification Criteria Version 2. Collection method: clinical testing. Allele origin: germline. Affected: yes. Observed: 2 variant alleles.
Comment: BRAF: BS1, BS2

NM_004333.6(BRAF):c.1141-1792A>G

Gene: BRAF (B-Raf proto-oncogene, serine/threonine kinase; minus strand). Cytogenetic location: 7q34.
Variant type: single nucleotide variant.
Coding change: c.1141-1792A>G on transcript NM_004333.6 (MANE Select); 1792 bases into the intron before coding-DNA position 1141, A replaced by G.
Molecular consequence: intron variant.
Genome position (GRCh38, 1-based): chr7:140,789,376, T>C on the plus strand (A>G on the coding strand, the complement: BRAF is on the minus strand). VCF-style: chr7-140789376-T-C. GRCh37 (hg19) VCF-style: chr7-140489176-T-C.
Other names: c.1141-1792A>G (NM_001378474.1, NM_001378468.1, NM_001354609.2 and 3 more transcripts); c.1039-1792A>G (NM_001378470.1); c.877-1792A>G (NM_001378475.1); c.1140+4932A>G (NM_001378471.1); c.1150-1792A>G (NM_001378467.1); c.985-1792A>G (NM_001378472.1, NM_001378473.1).
Identifiers: ClinVar variation 2658050 (VCV002658050.24), dbSNP rs762980534, ClinGen allele CA168096351.